The following is an entry in ClinVar:

NM_000368.5(TSC1):c.2499A>T (p.Gln833His)

Gene: TSC1 (TSC complex subunit 1; minus strand). Cytogenetic location: 9q34.13.
Variant type: single nucleotide variant.
Coding change: c.2499A>T on transcript NM_000368.5 (MANE Select); coding-DNA position 2499, A replaced by T.
Protein change: p.Gln833His; replaces glutamine 833 with histidine.
Molecular consequence: missense variant. On other transcripts: non-coding transcript variant (5), intron variant (8).
Genome position (GRCh38, 1-based): chr9:132,901,592, T>A on the plus strand (A>T on the coding strand, the complement: TSC1 is on the minus strand). VCF-style: chr9-132901592-T-A. GRCh37 (hg19) VCF-style: chr9-135776979-T-A.
Other names: c.2496A>T, p.Gln832His (NM_001162426.2, NM_001406597.1, NM_001406598.1 and 2 more transcripts); c.2346A>T, p.Gln782His (NM_001162427.2, NM_001406610.1); c.2136A>T, p.Gln712His (NM_001362177.2, NM_001406614.1, NM_001406615.1 and 4 more transcripts); c.2499A>T, p.Gln833His (NM_001406592.1, NM_001406593.1, NM_001406594.1 and 2 more transcripts); c.2484A>T, p.Gln828His (NM_001406601.1, NM_001406602.1); c.2481A>T, p.Gln827His (NM_001406603.1, NM_001406604.1); c.2343A>T, p.Gln781His (NM_001406611.1, NM_001406612.1); c.2133A>T, p.Gln711His (NM_001406620.1, NM_001406621.1, NM_001406622.1 and 1 more transcripts); and 8 more; short protein forms Q515H, Q828H, Q711H, Q827H, Q832H, Q482H, Q712H, Q781H.
Identifiers: ClinVar variation 3462432 (VCV003462432.1).
Genomic context (GRCh38, chr9:132,901,592, plus strand): 5'-GAAGAATGTTAGCAAATGGTGTTTCAGCAGATTCAGGTCTGCCTCATTTCTTCTTACCTT[T>A]TGGGAAACCTGACTGAGCAGCAGCTCAGTGTGACACACCTTGTTGTTGGCCTTCTTCAGT-3'
Protein context (NP_000359.1, residues 823-843): HTELLLSQVS[Gln833His]KLSNSESVQQ

ClinVar aggregate classification (germline): Uncertain significance (1 of 4 stars; one submission).

Conditions:
Hereditary cancer-predisposing syndrome. Also called: Tumor predisposition; Neoplastic Syndromes, Hereditary; Hereditary neoplastic syndrome; Hereditary Cancer Syndrome. Identifiers: Orphanet 140162, MedGen C0027672, MeSH D009386, MONDO:0015356.

Submission:

Ambry Genetics
Classification: Uncertain significance for Hereditary cancer-predisposing syndrome. Last evaluated: 2024-10-27. Review status: criteria provided, single submitter. Criteria: Ambry Variant Classification Scheme 2023. Collection method: clinical testing. Allele origin: germline.
Comment: The p.Q833H variant (also known as c.2499A>T), located in coding exon 17 of the TSC1 gene, results from an A to T substitution at nucleotide position 2499. The glutamine at codon 833 is replaced by histidine, an amino acid with highly similar properties. This amino acid position is conserved. In addition, this alteration is predicted to be tolerated by in silico analysis. Based on the available evidence, the clinical significance of this variant remains unclear.